The following is an entry in ClinVar:

ClinVar aggregate classification (germline): Pathogenic (1 of 4 stars; one submission).

Submission:

Labcorp Genetics (formerly Invitae), Labcorp
Classification: Pathogenic. Last evaluated: 2018-08-03. Review status: criteria provided, single submitter. Criteria: Invitae Variant Classification Sherloc (09022015). Collection method: clinical testing. Allele origin: germline.
Comment: For these reasons, this variant has been classified as Pathogenic. Loss-of-function variants in ASH1L are known to be pathogenic (PMID: 29276005). This variant has not been reported in the literature in individuals with ASH1L-related disease. This variant is not present in population databases (ExAC no frequency). This sequence change creates a premature translational stop signal (p.Leu998Glufs*12) in the ASH1L gene. It is expected to result in an absent or disrupted protein product.

Literature cited by the submitters: PubMed 29276005.

NM_018489.3(ASH1L):c.2991_2992del (p.Leu998fs)

Gene: ASH1L (ASH1 like histone lysine methyltransferase; minus strand). Cytogenetic location: 1q22.
Variant type: Deletion.
Coding change: c.2991_2992del on transcript NM_018489.3 (MANE Select); coding-DNA positions 2991 to 2992, 2 bases deleted (GT; older notation c.2991_2992delGT).
Protein change: p.Leu998fs; shifts the reading frame from leucine 998.
Molecular consequence: frameshift variant.
Genome position (GRCh38, 1-based): chr1:155,479,878-155,479,879, AC deleted on the plus strand (GT on the coding strand, the reverse complement: ASH1L is on the minus strand); deleting any 2 consecutive bases within chr1:155,479,878-155,479,880 gives the same sequence; the c. name uses the placement nearest the transcript's 3' end. VCF-style (leftmost placement, unchanged base first): chr1-155479877-AAC-A. GRCh37 (hg19) VCF-style: chr1-155449668-AAC-A.
Other names: c.2991_2992del, p.Leu998fs (NM_001366177.2); short protein forms L998fs.
Identifiers: ClinVar variation 662987 (VCV000662987.7), dbSNP rs1570938310, ClinGen allele CA915941452.
Genomic context (GRCh38, chr1:155,479,877, plus strand): 5'-AGTTTGGATTGCACTTTCCCTTTATTACTTGATTCTACAGAACTTGAAAGAATCTGATTC[AAC>A]AGTTTCTTTCTCTTTAAAGTCTTCATTTTATTTATTTTGCGGATAATTGTTTTCATTAAT-3'